The following is an entry in ClinVar:

NM_030777.4(SLC2A10):c.316G>A (p.Ala106Thr)

Gene: SLC2A10 (solute carrier family 2 member 10; plus strand). Cytogenetic location: 20q13.12.
Variant type: single nucleotide variant.
Coding change: c.316G>A on transcript NM_030777.4 (MANE Select); coding-DNA position 316, G replaced by A.
Protein change: p.Ala106Thr; replaces alanine 106 with threonine.
Molecular consequence: missense variant.
Genome position (GRCh38, 1-based): chr20:46,725,352, G>A. VCF-style: chr20-46725352-G-A. GRCh37 (hg19) VCF-style: chr20-45353991-G-A.
Other names: p.A106T:GCT>ACT; short protein forms A106T.
Identifiers: ClinVar variation 213712 (VCV000213712.58), dbSNP rs6094438, ClinGen allele CA320171.

ClinVar aggregate classification (germline): Conflicting classifications of pathogenicity. Review status: criteria provided, conflicting classifications (1 of 4 stars). 6 submissions from 6 submitters: Uncertain significance (5); Likely benign (1). Last evaluated 2026-01-20.

Conditions:
Familial thoracic aortic aneurysm and aortic dissection (TAAD). Also called: Thoracic aortic aneurysms and dissections. Identifiers: Orphanet 91387, MedGen C4707243, MONDO:0019625.
Arterial tortuosity syndrome (ATORS). Identifiers: Orphanet 3342, MedGen C1859726, MONDO:0008818, OMIM 208050.

Allele frequency attached by ClinVar (database versions not stated): TOPMed 0.00004.
gnomAD v4.1: 122 of 1,614,084 alleles (0.0076%); highest among the groups gnomAD compares: African/African-American, 0.011%; no homozygotes.

Submissions (6):

Labcorp Genetics (formerly Invitae), Labcorp
Classification: Likely benign for Arterial tortuosity syndrome. Last evaluated: 2026-01-20. Review status: criteria provided, single submitter. Criteria: Invitae Variant Classification Sherloc (09022015). Collection method: clinical testing. Allele origin: germline.

Ambry Genetics
Classification: Uncertain significance for Familial thoracic aortic aneurysm and aortic dissection. Last evaluated: 2025-10-11. Review status: criteria provided, single submitter. Criteria: Ambry Variant Classification Scheme 2023. Collection method: clinical testing. Allele origin: germline.
Comment: The p.A106T variant (also known as c.316G>A), located in coding exon 2 of the SLC2A10 gene, results from a G to A substitution at nucleotide position 316. The alanine at codon 106 is replaced by threonine, an amino acid with similar properties. This amino acid position is poorly conserved in available vertebrate species. In addition, this alteration is predicted to be tolerated by in silico analysis. Since supporting evidence is limited at this time, the clinical significance of this alteration remains unclear.

Women's Health and Genetics/Laboratory Corporation of America, LabCorp
Classification: Uncertain significance. Last evaluated: 2023-12-26. Review status: criteria provided, single submitter. Criteria: LabCorp Variant Classification Summary - May 2015. Collection method: clinical testing. Allele origin: germline.

CeGaT Center for Human Genetics Tuebingen
Classification: Uncertain significance. Last evaluated: 2020-11-01. Review status: criteria provided, single submitter. Criteria: CeGaT Center For Human Genetics Tuebingen Variant Classification Criteria Version 2. Collection method: clinical testing. Allele origin: germline. Affected: yes. Observed: 1 variant allele.

GeneDx
Classification: Uncertain significance. Last evaluated: 2018-10-29. Review status: criteria provided, single submitter. Criteria: GeneDx Variant Classification (06012015). Collection method: clinical testing. Allele origin: germline. Affected: yes.
Comment: A variant of uncertain significance has been identified in the SLC2A10 gene. The A106T variant has not been published as pathogenic or been reported as benign to our knowledge. The A106T variant is observed at a frequency of 0.015% (5/34,408 alleles) in individuals of Latino ancestry, and globally at a frequency of 0.008% (21/276,560 alleles), although no homozygotes were reported (Lek et al., 2016). Furthermore, in-silico analyses, including protein predictors and evolutionary conservation, support that this variant does not alter protein structure/function. Nevertheless, the A106T variant is a non-conservative amino acid substitution, which is likely to impact secondary protein structure as these residues differ in polarity, charge, size and/or other properties.Therefore, based on the currently available information, it is unclear whether this variant is pathogenic or rare benign. As arterial tortuosity syndrome due to pathogenic variants in the SLC2A10 gene is an autosomal recessive disease, it is expected that an affected individual would harbor pathogenic variants in both alleles (in trans) of the SLC2A10 gene. No second pathogenic variant or variant of uncertain significance was identified by this sequence and deletion/duplication analysis. The possibility that this patient harbors a second SLC2A10 variant that is undetectable by this test cannot be excluded. This result cannot be interpreted for diagnosis or used for family member screening at this time.

ARUP Laboratories, Molecular Genetics and Genomics, ARUP Laboratories
Classification: Uncertain significance. Last evaluated: 2018-01-23. Review status: criteria provided, single submitter. Criteria: ARUP Molecular Germline Variant Investigation Process. Collection method: clinical testing. Allele origin: germline.
Comment: The SLC2A10 c.316G>A; p.Ala106Thr variant (rs6094438), to our knowledge, is not reported in the medical literature, gene specific variation databases, nor has it been previously identified by our laboratory. This variant is listed in the genome Aggregation Database (gnomAD) with a Latino population frequency of 0.01% (identified on 5 out of 34,408 chromosomes) and is classified as likely benign in ClinVar (ID: 213712). The alanine at position 106 is weakly conserved and computational analyses of the effects of the p.Ala106Thr variant on protein structure and function make conflicting predictions (SIFT: damaging, MutationTaster: polymorphism, PolyPhen-2: benign). Based on the available information, the clinical significance of the p.Ala106Thr variant cannot be determined with certainty.